The following is an entry in ClinVar:

ClinVar aggregate classification (germline): Uncertain significance. Review status: criteria provided, multiple submitters, no conflicts (2 of 4 stars). 2 submissions from 2 submitters: Uncertain significance (2). Last evaluated 2025-08-17.

Allele frequency attached by ClinVar (database versions not stated): TOPMed 0.00003; gnomAD 0.00005 and 0.00006; ESP Exome Variant Server 0.00008; ExAC 0.00012.
gnomAD v4.1: 48 of 1,582,778 alleles (0.003%); highest among the groups gnomAD compares: Admixed American, 0.011%; no homozygotes.

Submissions (2):

Labcorp Genetics (formerly Invitae), Labcorp
Classification: Uncertain significance. Last evaluated: 2025-08-17. Review status: criteria provided, single submitter. Criteria: Invitae Variant Classification Sherloc (09022015). Collection method: clinical testing. Allele origin: germline.
Comment: This sequence change replaces arginine, which is basic and polar, with tryptophan, which is neutral and slightly polar, at codon 2070 of the MYO7A protein (p.Arg2070Trp). This variant is present in population databases (rs371848786, gnomAD 0.02%). This variant has not been reported in the literature in individuals affected with MYO7A-related conditions. ClinVar contains an entry for this variant (Variation ID: 1419789). Invitae Evidence Modeling of protein sequence and biophysical properties (such as structural, functional, and spatial information, amino acid conservation, physicochemical variation, residue mobility, and thermodynamic stability) indicates that this missense variant is not expected to disrupt MYO7A protein function with a negative predictive value of 95%. In summary, the available evidence is currently insufficient to determine the role of this variant in disease. Therefore, it has been classified as a Variant of Uncertain Significance.

Revvity Omics, Revvity
Classification: Uncertain significance. Last evaluated: 2022-02-23. Review status: criteria provided, single submitter. Criteria: ACMG Guidelines, 2015. Collection method: clinical testing. Allele origin: germline.

NM_000260.4(MYO7A):c.6208C>T (p.Arg2070Trp)

Gene: MYO7A (myosin VIIA; plus strand). Cytogenetic location: 11q13.5.
Variant type: single nucleotide variant.
Coding change: c.6208C>T on transcript NM_000260.4 (MANE Select); coding-DNA position 6208, C replaced by T.
Protein change: p.Arg2070Trp; replaces arginine 2070 with tryptophan.
Molecular consequence: missense variant.
Genome position (GRCh38, 1-based): chr11:77,211,308, C>T. VCF-style: chr11-77211308-C-T. GRCh37 (hg19) VCF-style: chr11-76922353-C-T.
Other names: c.6094C>T, p.Arg2032Trp (NM_001127180.2); c.6061C>T, p.Arg2021Trp (NM_001369365.1); short protein forms R2021W, R2032W, R2070W.
Identifiers: ClinVar variation 1419789 (VCV001419789.8), dbSNP rs371848786, ClinGen allele CA6198951.